The following is an entry in ClinVar:

NM_006096.4(NDRG1):c.845C>G (p.Thr282Ser)

Gene: NDRG1 (N-myc downstream regulated 1; minus strand). Cytogenetic location: 8q24.22.
Variant type: single nucleotide variant.
Coding change: c.845C>G on transcript NM_006096.4 (MANE Select); coding-DNA position 845, C replaced by G.
Protein change: p.Thr282Ser; replaces threonine 282 with serine.
Molecular consequence: missense variant.
Genome position (GRCh38, 1-based): chr8:133,246,626, G>C on the plus strand (C>G on the coding strand, the complement: NDRG1 is on the minus strand). VCF-style: chr8-133246626-G-C. GRCh37 (hg19) VCF-style: chr8-134258869-G-C.
Other names: c.845C>G, p.Thr282Ser (NM_001135242.2, NM_001374845.1, NM_001374846.1); c.647C>G, p.Thr216Ser (NM_001258432.2, NM_001374847.1); c.602C>G, p.Thr201Ser (NM_001258433.2); c.896C>G, p.Thr299Ser (NM_001374844.1); short protein forms T216S, T201S, T282S, T299S.
Identifiers: ClinVar variation 1365024 (VCV001365024.8), dbSNP rs1449128690, ClinGen allele CA372254925.

ClinVar aggregate classification (germline): Uncertain significance (1 of 4 stars; one submission).

Conditions:
Charcot-Marie-Tooth disease type 4. Also called: Charcot-Marie-Tooth disease, type IV; Charcot-Marie-Tooth, Type 4. Identifiers: Orphanet 64749, MedGen C4082197, MONDO:0018995.

Submission:

Labcorp Genetics (formerly Invitae), Labcorp
Classification: Uncertain significance for Charcot-Marie-Tooth disease type 4. Last evaluated: 2021-07-22. Review status: criteria provided, single submitter. Criteria: Invitae Variant Classification Sherloc (09022015). Collection method: clinical testing. Allele origin: germline.
Comment: This sequence change replaces threonine with serine at codon 282 of the NDRG1 protein (p.Thr282Ser). The threonine residue is highly conserved and there is a small physicochemical difference between threonine and serine. Algorithms developed to predict the effect of missense changes on protein structure and function (SIFT, PolyPhen-2, Align-GVGD) all suggest that this variant is likely to be disruptive, but these predictions have not been confirmed by published functional studies and their clinical significance is uncertain. This variant has not been reported in the literature in individuals with NDRG1-related conditions. This variant is not present in population databases (ExAC no frequency). In summary, the available evidence is currently insufficient to determine the role of this variant in disease. Therefore, it has been classified as a Variant of Uncertain Significance.